The following is an entry in ClinVar:

NM_002709.3(PPP1CB):c.878A>G (p.Gln293Arg)

Gene: PPP1CB (protein phosphatase 1 catalytic subunit beta; plus strand). Cytogenetic location: 2p23.2.
Variant type: single nucleotide variant.
Coding change: c.878A>G on transcript NM_002709.3 (MANE Select); coding-DNA position 878, A replaced by G.
Protein change: p.Gln293Arg; replaces glutamine 293 with arginine.
Molecular consequence: missense variant.
Genome position (GRCh38, 1-based): chr2:28,793,996, A>G. VCF-style: chr2-28793996-A-G. GRCh37 (hg19) VCF-style: chr2-29016862-A-G.
Other names: c.878A>G, p.Gln293Arg (NM_206876.2); short protein forms Q293R.
Identifiers: ClinVar variation 5009054 (VCV005009054.1).
Genomic context (GRCh38, chr2:28,793,996, plus strand): 5'-GCGAGTTTGATAATGCTGGTGGAATGATGAGTGTGGATGAAACTTTGATGTGTTCATTTC[A>G]GGTATGATGTAAACATAAATATATAAGAACTAGAAATCTAATAAAAACTATTATCAGAAT-3'
Protein context (NP_002700.1, residues 283-303): SVDETLMCSF[Gln293Arg]ILKPSEKKAK

ClinVar aggregate classification (germline): Uncertain significance (1 of 4 stars; one submission).

Submission:

GeneDx
Classification: Uncertain significance. Last evaluated: 2026-03-17. Review status: criteria provided, single submitter. Criteria: GeneDx Variant Classification Process June 2021. Collection method: clinical testing. Allele origin: germline.
Comment: Not observed at significant frequency in large population cohorts (gnomAD); In silico analysis supports that this missense variant has a deleterious effect on protein structure/function; Has not been previously published as pathogenic or benign to our knowledge